The following is an entry in ClinVar:

NM_183357.3(ADCY5):c.3082G>A (p.Glu1028Lys)

Gene: ADCY5 (adenylate cyclase 5; minus strand). Cytogenetic location: 3q21.1.
Variant type: single nucleotide variant.
Coding change: c.3082G>A on transcript NM_183357.3 (MANE Select); coding-DNA position 3082, G replaced by A.
Protein change: p.Glu1028Lys; replaces glutamic acid 1028 with lysine.
Molecular consequence: missense variant.
Genome position (GRCh38, 1-based): chr3:123,291,358, C>T on the plus strand (G>A on the coding strand, the complement: ADCY5 is on the minus strand). VCF-style: chr3-123291358-C-T. GRCh37 (hg19) VCF-style: chr3-123010205-C-T.
Other names: c.2032G>A, p.Glu678Lys (NM_001199642.1); c.3157G>A, p.Glu1053Lys (NM_001378259.1); c.3082G>A (NM_183357.2); short protein forms E678K, E1053K, E1028K.
Identifiers: ClinVar variation 2753513 (VCV002753513.2), dbSNP rs1553717781, ClinGen allele CA354223857.

ClinVar aggregate classification (germline): Uncertain significance. Review status: criteria provided, multiple submitters, no conflicts (2 of 4 stars). 2 submissions from 2 submitters: Uncertain significance (2). Last evaluated 2025-04-28.

Submissions (2):

GeneDx
Classification: Uncertain significance. Last evaluated: 2025-04-28. Review status: criteria provided, single submitter. Criteria: GeneDx Variant Classification Process June 2021. Collection method: clinical testing. Allele origin: germline. Affected: yes.
Comment: Not observed at significant frequency in large population cohorts (gnomAD); In silico analysis supports that this missense variant has a deleterious effect on protein structure/function; Has not been previously published as pathogenic or benign to our knowledge

Labcorp Genetics (formerly Invitae), Labcorp
Classification: Uncertain significance. Last evaluated: 2023-08-17. Review status: criteria provided, single submitter. Criteria: Invitae Variant Classification Sherloc (09022015). Collection method: clinical testing. Allele origin: germline.
Comment: This sequence change replaces glutamic acid, which is acidic and polar, with lysine, which is basic and polar, at codon 1028 of the ADCY5 protein (p.Glu1028Lys). This variant is not present in population databases (gnomAD no frequency). This variant has not been reported in the literature in individuals affected with ADCY5-related conditions. Advanced modeling of protein sequence and biophysical properties (such as structural, functional, and spatial information, amino acid conservation, physicochemical variation, residue mobility, and thermodynamic stability) has been performed at Invitae for this missense variant, however the output from this modeling did not meet the statistical confidence thresholds required to predict the impact of this variant on ADCY5 protein function. In summary, the available evidence is currently insufficient to determine the role of this variant in disease. Therefore, it has been classified as a Variant of Uncertain Significance.